The following is an entry in ClinVar:

ClinVar aggregate classification (germline): Pathogenic. Review status: reviewed by expert panel (3 of 4 stars). 15 submissions from 15 submitters: Pathogenic (1). 14 of the submissions do not count toward it. Last evaluated 2023-10-01.

Conditions:
Cardiovascular phenotype. Identifiers: MedGen CN230736.
Glycogen storage disease, type II (IOPD). Also called: CARDIOMEGALIA GLYCOGENICA DIFFUSA; Glycogen storage disease type 2; Acid maltase deficiency disease; Aglucosidase alfa; Deficiency of alpha-glucosidase; Deficiency of lysosomal alpha-glucosidase. Identifiers: Orphanet 365, MedGen C0017921, MONDO:0009290, OMIM 232300.

Allele frequency attached by ClinVar (database versions not stated): ExAC 0.00001; gnomAD exomes 0.00002; TOPMed 0.00002.
gnomAD v4.1: 119 of 1,613,746 alleles (0.0074%); highest among the groups gnomAD compares: Non-Finnish European, 0.0097%; no homozygotes.

Submissions 1 to 7 of 15:

ClinGen Lysosomal Storage Disorder Variant Curation Expert Panel
Classification: Pathogenic for Glycogen storage disease, type II. Last evaluated: 2023-10-01. Review status: reviewed by expert panel. Criteria: clingen_lsd_acmg_specifications_v2-1. Collection method: curation. Allele origin: germline. Inheritance: Autosomal recessive inheritance.
Comment: The NM_000152.5:c.1441T>C variant in GAA is predicted to result in the missense substitution of tryptophan by arginine at amino acid 481 (p.Trp481Arg). The variant has been reported in at least 6 individuals with Pompe disease in compound heterozygosity with another variant in GAA that has been classified as pathogenic by the ClinGen Lysosomal Diseases VCEP. It was confirmed in trans with c.1326+1G>A (PMIDs: 10189220, 9862843), and was found in unconfirmed phase with c.-32-13T>G (PMID: 14695532, 18757064, 22676651, 27189384, 29556838, 34357340); c.2560C>T (p.Arg854Ter) (PMIDs: 31086307, 35787971), c.1979G>A (p.Arg660His) (PMID: 31086307), and c.2481+102_c.2646+31del (PMID: 26497565, 28657663). Another patient is compound heterozygous for the variant and c.1556T>C (p.Met519Thr) (PMID: 31086307); the allelic data from this patient will be used in the assessment of the other variant and is not included here to avoid circular logic (PM3_Strong). This variant has been reported in individuals with specific phenotypic features of Pompe disease including documented laboratory values revealing GAA deficiency, individuals on enzyme replacement therapy, patients with documented symptoms of infantile onset Pompe disease, and elevated urine Hex4 (PMID: 26497565, 28657663, 31086307, 34357340) (PP4_Moderate). Trp481 is a residue that crystallography studies have shown to be important in the architecture of the active site and substrate binding of GAA; this residues has, therefore, has been defined as a critical residue by the ClinGen Lysosomal Diseases VCEP (PMID: 29061980) (PM1). In two independent studies, expression of the variant in COS cells results in <2% GAA activity compared to normal, but also a significant amount of mature GAA protein, suggesting that the variant impacts catalysis rather than protein production or stability (PMID: 14695532, 19862843). The computational predictor REVEL gives a score of 0.967 which is above the threshold of 0.7, evidence that correlates with impact to GAA function (PP3). There is a ClinVar entry for this variant (Variation ID: ). In summary, this variant meets the criteria to be classified as pathogenic for Pompe disease. GAA-specific ACMG/AMP criteria met, as specified by the ClinGen Lysosomal Diseases Variant Curation Expert Panel (Specifications Version 2.0): PM3_Strong, PM1, PP4_Moderate, PP3, PS3_Supporting, PM2_Supporting, (Classification approved by the ClinGen Lysosomal Diseases VCEP on Oct. 1, 2023)

Genomenon, Inc
Classification: Pathogenic for Glycogen storage disease, type II. Last evaluated: 2026-07-01. Review status: criteria provided, single submitter. Criteria: Genomenon Sequence Variant Interpretation Standards - Updated. Collection method: curation. Allele origin: germline. Affected: yes. Not counted in ClinVar's aggregate classification.
Comment: GAA p.Trp481Arg (c.1441T>C) is a missense variant that changes the amino acid at codon 481 from Tryptophan to Arginine. This variant has been observed in at least one proband with a GAA-related disorder in the compound heterozygous and/or homozygous state (PMID:40562809;35787971;34357340;31193175;26497565;28657663;27189384;22676651). At least one functional study has demonstrated a substantial alteration in protein function relative to the wild-type (PMID:14695532;19862843). The variant is located in a mutational hotspot and/or important functional domain. It is absent or not present at a significant frequency in gnomAD. In silico models predict that this variant is possibly or probably damaging. In conclusion, we classify GAA p.Trp481Arg (c.1441T>C) as a pathogenic variant.

Labcorp Genetics (formerly Invitae), Labcorp
Classification: Pathogenic for Glycogen storage disease, type II. Last evaluated: 2025-12-01. Review status: criteria provided, single submitter. Criteria: Invitae Variant Classification Sherloc (09022015). Collection method: clinical testing. Allele origin: germline. Not counted in ClinVar's aggregate classification.
Comment: This sequence change replaces tryptophan, which is neutral and slightly polar, with arginine, which is basic and polar, at codon 481 of the GAA protein (p.Trp481Arg). This variant is present in population databases (rs772883420, gnomAD 0.008%). This missense change has been observed in individual(s) with Pompe disease (PMID: 18757064; internal data). In at least one individual the data is consistent with being in trans (on the opposite chromosome) from a pathogenic variant. ClinVar contains an entry for this variant (Variation ID: 189007). Invitae Evidence Modeling of protein sequence and biophysical properties (such as structural, functional, and spatial information, amino acid conservation, physicochemical variation, residue mobility, and thermodynamic stability) indicates that this missense variant is expected to disrupt GAA protein function with a positive predictive value of 95%. Experimental studies have shown that this missense change affects GAA function (PMID: 14695532, 19862843). For these reasons, this variant has been classified as Pathogenic.

Ambry Genetics
Classification: Pathogenic for Cardiovascular phenotype. Last evaluated: 2025-01-03. Review status: criteria provided, single submitter. Criteria: Ambry Variant Classification Scheme 2023. Collection method: clinical testing. Allele origin: germline. Not counted in ClinVar's aggregate classification.
Comment: The p.W481R pathogenic mutation (also known as c.1441T>C), located in coding exon 9 of the GAA gene, results from a T to C substitution at nucleotide position 1441. The tryptophan at codon 481 is replaced by arginine, an amino acid with dissimilar properties. This variant has been identified in the homozygous state and/or in conjunction with other GAA variant(s) in individual(s) with features consistent with glycogen storage disease type II (Raben N et al. Hum Mutat, 1999;13:83-4; Hermans MM et al. Hum Mutat, 2004 Jan;23:47-56; Flanagan JJ et al. Hum Mutat, 2009 Dec;30:1683-92; Broomfield A et al. J Inherit Metab Dis, 2016 Mar;39:261-71; Tsai AC et al. Am J Med Genet A, 2017 Sep;173:2500-2504; Desai AK et al. Mol Genet Metab Rep, 2019 Sep;20:100475; Ficicioglu C et al. Int J Neonatal Screen, 2020 Nov;6:[ePub ahead of print]; Viamonte MA et al. J Hum Genet, 2021 Nov;66:1089-1099; Zhang T et al. Mol Genet Metab, 2022 Aug;136:296-305). This variant is considered to be rare based on population cohorts in the Genome Aggregation Database (gnomAD). In addition, this alteration is predicted to be deleterious by in silico analysis. Based on the supporting evidence, this variant is interpreted as a disease-causing mutation.

Mayo Clinic Laboratories, Mayo Clinic
Classification: Pathogenic. Last evaluated: 2024-09-04. Review status: criteria provided, single submitter. Criteria: ACMG Guidelines, 2015. Collection method: clinical testing. Allele origin: germline. Observed: 1 variant allele. Not counted in ClinVar's aggregate classification.
Comment: PP3_strong, PP4_moderate, PM3_strong, PS3_supporting

Fulgent Genetics
Classification: Pathogenic for Glycogen storage disease, type II. Last evaluated: 2024-05-02. Review status: criteria provided, single submitter. Criteria: ACMG Guidelines, 2015. Collection method: clinical testing. Allele origin: germline. Not counted in ClinVar's aggregate classification.

Natera, Inc.
Classification: Pathogenic for Glycogen storage disease type II. Last evaluated: 2024-03-22. Review status: criteria provided, single submitter. Criteria: Natera Variant Classification Schema (03/2026). Collection method: clinical testing. Allele origin: germline. Not counted in ClinVar's aggregate classification.
Comment: The c.1441T>C variant in GAA is a missense variant predicted to cause substitution of tryptophan to arginine at amino acid 481. This variant is rare in the general population with a frequency below the threshold expected for the associated phenotype(s). This variant has been observed in one or more individuals affected with the associated recessive disease, as either homozygous or compound heterozygous with a second variant (PMID: 31086307). This variant is located in a functionally critical region of the protein. Given the available evidence, this variant is classified as Pathogenic.

NM_000152.5(GAA):c.1441T>C (p.Trp481Arg)

Gene: GAA (alpha glucosidase; plus strand). Cytogenetic location: 17q25.3.
Variant type: single nucleotide variant.
Coding change: c.1441T>C on transcript NM_000152.5 (MANE Select); coding-DNA position 1441, T replaced by C.
Protein change: p.Trp481Arg; replaces tryptophan 481 with arginine.
Molecular consequence: missense variant.
Genome position (GRCh38, 1-based): chr17:80,110,730, T>C. VCF-style: chr17-80110730-T-C. GRCh37 (hg19) VCF-style: chr17-78084529-T-C.
Other names: NM_000152.5(GAA):c.1441T>C; c.1441T>C (LRG_673t1, NM_000152.4); c.1441T>C, p.Trp481Arg (NM_001079803.3, NM_001079804.3); short protein forms W481R.
Identifiers: ClinVar variation 189007 (VCV000189007.33), dbSNP rs772883420, ClinGen allele CA274247.